The following is an entry in ClinVar:

ClinVar aggregate classification (germline): Uncertain significance (1 of 4 stars; one submission).

Conditions:
Hereditary cancer-predisposing syndrome. Also called: Tumor predisposition; Neoplastic Syndromes, Hereditary; Hereditary neoplastic syndrome; Hereditary Cancer Syndrome. Identifiers: Orphanet 140162, MedGen C0027672, MeSH D009386, MONDO:0015356.

Submission:

Ambry Genetics
Classification: Uncertain significance for Hereditary cancer-predisposing syndrome. Last evaluated: 2024-11-28. Review status: criteria provided, single submitter. Criteria: Ambry Variant Classification Scheme 2023. Collection method: clinical testing. Allele origin: germline.
Comment: The p.D3G variant (also known as c.8A>G), located in coding exon 1 of the BARD1 gene, results from an A to G substitution at nucleotide position 8. The aspartic acid at codon 3 is replaced by glycine, an amino acid with similar properties. This amino acid position is conserved. In addition, this alteration is predicted to be tolerated by in silico analysis. Based on the available evidence, the clinical significance of this variant remains unclear.

NM_000465.4(BARD1):c.8A>G (p.Asp3Gly)

Gene: BARD1 (BRCA1 associated RING domain 1; minus strand). Cytogenetic location: 2q35.
Variant type: single nucleotide variant.
Coding change: c.8A>G on transcript NM_000465.4 (MANE Select); coding-DNA position 8, A replaced by G.
Protein change: p.Asp3Gly; replaces aspartic acid 3 with glycine.
Molecular consequence: missense variant. On other transcripts: non-coding transcript variant (3).
Genome position (GRCh38, 1-based): chr2:214,809,562, T>C on the plus strand (A>G on the coding strand, the complement: BARD1 is on the minus strand). VCF-style: chr2-214809562-T-C. GRCh37 (hg19) VCF-style: chr2-215674286-T-C.
Other names: c.8A>G, p.Asp3Gly (NM_001282543.2, NM_001282545.2, NM_001282548.2 and 1 more transcripts); short protein forms D3G.
Identifiers: ClinVar variation 3479747 (VCV003479747.1).